The following is an entry in ClinVar:

NM_000021.4(PSEN1):c.799C>A (p.Pro267Thr)

Gene: PSEN1 (presenilin 1; plus strand). Cytogenetic location: 14q24.2.
Variant type: single nucleotide variant.
Coding change: c.799C>A on transcript NM_000021.4 (MANE Select); coding-DNA position 799, C replaced by A.
Protein change: p.Pro267Thr; replaces proline 267 with threonine.
Molecular consequence: missense variant.
Genome position (GRCh38, 1-based): chr14:73,198,060, C>A. VCF-style: chr14-73198060-C-A. GRCh37 (hg19) VCF-style: chr14-73664768-C-A.
Other names: c.787C>A, p.Pro263Thr (NM_007318.3); short protein forms P263T, P267T.
Identifiers: ClinVar variation 992565 (VCV000992565.4), dbSNP rs63751229, ClinGen allele CA390301958.

ClinVar aggregate classification (germline): Pathogenic/Likely pathogenic. Review status: criteria provided, multiple submitters, no conflicts (2 of 4 stars). 2 submissions from 2 submitters: Pathogenic (1); Likely pathogenic (1). Last evaluated 2024-12-12.

Conditions:
Alzheimer disease 3 (AD3). Also called: ALZHEIMER DISEASE, FAMILIAL, 3. Identifiers: Orphanet 1020, MedGen C1843013, MONDO:0011913, OMIM 607822.
Acne inversa, familial, 3 (ACNINV3). Identifiers: MedGen C3151038, MONDO:0013398, OMIM 613737.
Frontotemporal dementia (FTD1). Also called: FRONTOTEMPORAL DEMENTIA WITH PARKINSONISM; FRONTOTEMPORAL LOBE DEMENTIA; MULTIPLE SYSTEM TAUOPATHY WITH PRESENILE DEMENTIA; Dementia, frontotemporal, with or without parkinsonism; WILHELMSEN-LYNCH DISEASE; Frontotemporal Dementia with Parkinsonism-17 (FTDP-17). Identifiers: Orphanet 282, MedGen C0338451, MONDO:0017276, OMIM 600274, HP:0002145.
Pick disease. Also called: DEMENTIA WITH LOBAR ATROPHY AND NEURONAL CYTOPLASMIC INCLUSIONS; LOBAR ATROPHY OF BRAIN; PICK DISEASE OF BRAIN; Pick's disease; Pick Disease of the Brain. Identifiers: Orphanet 282, MedGen C0236642, MONDO:0008243, OMIM 172700.

Allele frequency attached by ClinVar (database versions not stated): gnomAD exomes below 0.00001.
gnomAD v4.1: 1 of 1,611,762 alleles (0.000062%); highest among the groups gnomAD compares: Non-Finnish European, 0.000085%; no homozygotes.

Submissions (2):

Labcorp Genetics (formerly Invitae), Labcorp
Classification: Likely pathogenic for Alzheimer disease 3; Pick disease; Acne inversa, familial, 3; Frontotemporal dementia. Last evaluated: 2024-12-12. Review status: criteria provided, single submitter. Criteria: Invitae Variant Classification Sherloc (09022015). Collection method: clinical testing. Allele origin: germline.
Comment: This sequence change replaces proline, which is neutral and non-polar, with threonine, which is neutral and polar, at codon 267 of the PSEN1 protein (p.Pro267Thr). This variant is not present in population databases (gnomAD no frequency). This variant has not been reported in the literature in individuals affected with PSEN1-related conditions. ClinVar contains an entry for this variant (Variation ID: 992565). Invitae Evidence Modeling of protein sequence and biophysical properties (such as structural, functional, and spatial information, amino acid conservation, physicochemical variation, residue mobility, and thermodynamic stability) indicates that this missense variant is expected to disrupt PSEN1 protein function with a positive predictive value of 95%. This variant disrupts the p.Pro267 amino acid residue in PSEN1. Other variant(s) that disrupt this residue have been determined to be pathogenic (PMID: 7550356, 12817569, 15094846, 26888304, 27777022). This suggests that this residue is clinically significant, and that variants that disrupt this residue are likely to be disease-causing. In summary, the currently available evidence indicates that the variant is pathogenic, but additional data are needed to prove that conclusively. Therefore, this variant has been classified as Likely Pathogenic.

Laboratory for Molecular Genetic Diagnostic of Neurological Diseases, University of Belgrade, School of Medicine
Classification: Pathogenic for Alzheimer disease 3. Last evaluated: 2020-07-01. Review status: criteria provided, single submitter. Criteria: ACMG Guidelines, 2015. Collection method: clinical testing. Allele origin: germline. Inheritance: Autosomal dominant inheritance. Affected: yes. Observed: 1 heterozygote.

Literature cited by the submitters: PubMed 7550356 (cited by Labcorp Genetics (formerly Invitae), Labcorp); PubMed 12817569 (cited by Labcorp Genetics (formerly Invitae), Labcorp); PubMed 15094846 (cited by Labcorp Genetics (formerly Invitae), Labcorp); PubMed 26888304 (cited by Labcorp Genetics (formerly Invitae), Labcorp); PubMed 27777022 (cited by Labcorp Genetics (formerly Invitae), Labcorp).